The following is an entry in ClinVar:

ClinVar aggregate classification (germline): Uncertain significance. Review status: criteria provided, multiple submitters, no conflicts (2 of 4 stars). 2 submissions from 2 submitters: Uncertain significance (2). Last evaluated 2026-04-04.

Conditions:
Renal cell carcinoma. Identifiers: Orphanet 217071, MedGen C0007134, MeSH D002292, MONDO:0005086, HP:0005584.
Hereditary cancer-predisposing syndrome. Also called: Neoplastic Syndromes, Hereditary; Tumor predisposition; Hereditary Cancer Syndrome; Hereditary neoplastic syndrome. Identifiers: Orphanet 140162, MedGen C0027672, MeSH D009386, MONDO:0015356.

Submissions (2):

Ambry Genetics
Classification: Uncertain significance for Hereditary cancer-predisposing syndrome. Last evaluated: 2026-04-04. Review status: criteria provided, single submitter. Criteria: Ambry Variant Classification Scheme 2023. Collection method: clinical testing. Allele origin: germline.
Comment: The p.E1079K variant (also known as c.3235G>A), located in coding exon 14 of the MET gene, results from a G to A substitution at nucleotide position 3235. The glutamic acid at codon 1079 is replaced by lysine, an amino acid with similar properties. This amino acid position is conserved. In addition, the in silico prediction for this alteration is inconclusive. Based on the available evidence, the clinical significance of this variant remains unclear.

Labcorp Genetics (formerly Invitae), Labcorp
Classification: Uncertain significance for Renal cell carcinoma. Last evaluated: 2022-01-27. Review status: criteria provided, single submitter. Criteria: Invitae Variant Classification Sherloc (09022015). Collection method: clinical testing. Allele origin: germline.
Comment: In summary, the available evidence is currently insufficient to determine the role of this variant in disease. Therefore, it has been classified as a Variant of Uncertain Significance. Algorithms developed to predict the effect of missense changes on protein structure and function are either unavailable or do not agree on the potential impact of this missense change (SIFT: "Deleterious"; PolyPhen-2: "Benign"; Align-GVGD: "Class C15"). This variant has not been reported in the literature in individuals affected with MET-related conditions. This variant is not present in population databases (gnomAD no frequency). This sequence change replaces glutamic acid, which is acidic and polar, with lysine, which is basic and polar, at codon 1079 of the MET protein (p.Glu1079Lys).

NM_000245.4(MET):c.3181G>A (p.Glu1061Lys)

Gene: MET (MET proto-oncogene, receptor tyrosine kinase; plus strand). Cytogenetic location: 7q31.2.
Variant type: single nucleotide variant.
Coding change: c.3181G>A on transcript NM_000245.4 (MANE Select); coding-DNA position 3181, G replaced by A.
Protein change: p.Glu1061Lys; replaces glutamic acid 1061 with lysine.
Molecular consequence: missense variant.
Genome position (GRCh38, 1-based): chr7:116,775,033, G>A. VCF-style: chr7-116775033-G-A. GRCh37 (hg19) VCF-style: chr7-116415087-G-A.
Other names: c.3235G>A (NM_001127500.1); c.3235G>A, p.Glu1079Lys (NM_001127500.3); c.1891G>A, p.Glu631Lys (NM_001324402.2); short protein forms E1079K, E631K, E1061K.
Identifiers: ClinVar variation 1361038 (VCV001361038.9), dbSNP rs2117031426, ClinGen allele CA368988507.